The following is an entry in ClinVar:

ClinVar aggregate classification (germline): Pathogenic (1 of 4 stars; one submission).

Conditions:
Lesch-Nyhan syndrome (LNS). Also called: Lesch-Nyhan Disease (LND); HPRT DEFICIENCY, COMPLETE. Identifiers: Orphanet 510, MedGen C0023374, MONDO:0010298, OMIM 300322.

Submission:

Groupe Hospitalier Pitie Salpetriere, Uf Genomique Du Developpement, Assistance Publique Hopitaux de Paris Sorbonne Université
Classification: Pathogenic for Lesch-Nyhan syndrome. Last evaluated: 2017-01-06. Review status: criteria provided, single submitter. Criteria: ACMG Guidelines, 2015. Collection method: clinical testing. Allele origin: maternal. Affected: yes. Observed: 1 variant allele.
Comment: Intellectual disability, severe; tetradystonia; axial hypotonia; small degree of elevated uricemia

Literature cited by the submitters: PubMed 28708303.

NM_000194.3(HPRT1):c.47G>T (p.Gly16Val)

Gene: HPRT1 (hypoxanthine phosphoribosyltransferase 1; plus strand). Cytogenetic location: Xq26.2.
Variant type: single nucleotide variant.
Coding change: c.47G>T on transcript NM_000194.3 (MANE Select); coding-DNA position 47, G replaced by T.
Protein change: p.Gly16Val; replaces glycine 16 with valine.
Molecular consequence: missense variant.
Genome position (GRCh38, 1-based): chrX:134,473,378, G>T. VCF-style: chrX-134473378-G-T. GRCh37 (hg19) VCF-style: chrX-133607408-G-T.
Other names: short protein forms G16V.
Identifiers: ClinVar variation 431129 (VCV000431129.3), dbSNP rs1135401801, ClinGen allele CA414711272.